The following is an entry in ClinVar:

NM_018245.3(OGDHL):c.1167G>T (p.Lys389Asn)

Gene: OGDHL (oxoglutarate dehydrogenase L; minus strand). Cytogenetic location: 10q11.23.
Variant type: single nucleotide variant.
Coding change: c.1167G>T on transcript NM_018245.3 (MANE Select); coding-DNA position 1167, G replaced by T.
Protein change: p.Lys389Asn; replaces lysine 389 with asparagine.
Molecular consequence: missense variant. On other transcripts: non-coding transcript variant (5).
Genome position (GRCh38, 1-based): chr10:49,747,029, C>A on the plus strand (G>T on the coding strand, the complement: OGDHL is on the minus strand). VCF-style: chr10-49747029-C-A. GRCh37 (hg19) VCF-style: chr10-50955075-C-A.
Other names: c.996G>T, p.Lys332Asn (NM_001143996.2, NM_001347820.1); c.540G>T, p.Lys180Asn (NM_001143997.2, NM_001347821.2, NM_001347822.1 and 1 more transcripts); c.1167G>T, p.Lys389Asn (NM_001347819.1, NM_001347823.1, NM_001347824.2); c.150G>T, p.Lys50Asn (NM_001347826.1); short protein forms K180N, K332N, K389N, K50N.
Identifiers: ClinVar variation 5021021 (VCV005021021.1).
Genomic context (GRCh38, chr10:49,747,029, plus strand): 5'-CAGCCCTCTGGGCCCACCCTGAAGGGCCCAGGTCCTCTGGGTTCCCCCAGGTGAGCTCAC[C>A]TTCTTGCCCTGGGCATCTCCACGGTAGAACTGCTCTGCCTTTGTCTTCCCCTGCACCACA-3'
Protein context (NP_060715.2, residues 379-399): QFYRGDAQGK[Lys389Asn]VMSILVHGDA

ClinVar aggregate classification (germline): Uncertain significance (1 of 4 stars; one submission).

Submission:

Dasa
Classification: Uncertain significance. Last evaluated: 2025-01-06. Review status: criteria provided, single submitter. Criteria: DASA Assertion Criteria. Collection method: clinical testing. Allele origin: germline.
Comment: NM_018245.3(OGDHL):c.1167G>T (p.Lys389Asn) is a missense variant that results in the substitution of lysine with asparagine. This variant is absent from population databases. Computational prediction algorithms are consistent with a benign effect. The currently available literature and clinical evidence are not sufficient to establish a definitive association between this variant and the reported condition. Therefore, this variant is classified as a variant of uncertain significance.